The following is an entry in ClinVar:

NM_001009944.3(PKD1):c.3058C>T (p.Gln1020Ter)

Gene: PKD1 (polycystin 1, transient receptor potential channel interacting; minus strand). Cytogenetic location: 16p13.3.
Variant type: single nucleotide variant.
Coding change: c.3058C>T on transcript NM_001009944.3 (MANE Select); coding-DNA position 3058, C replaced by T.
Protein change: p.Gln1020Ter; replaces glutamine 1020 with a stop codon.
Molecular consequence: nonsense.
Genome position (GRCh38, 1-based): chr16:2,112,891, G>A on the plus strand (C>T on the coding strand, the complement: PKD1 is on the minus strand). VCF-style: chr16-2112891-G-A. GRCh37 (hg19) VCF-style: chr16-2162892-G-A.
Other names: c.3058C>T, p.Gln1020Ter (NM_000296.4); short protein forms Q1020*.
Identifiers: ClinVar variation 872314 (VCV000872314.44), dbSNP rs753261451, ClinGen allele CA394384821.

ClinVar aggregate classification (germline): Pathogenic. Review status: criteria provided, multiple submitters, no conflicts (2 of 4 stars). 4 submissions from 4 submitters: Pathogenic (4). Last evaluated 2025-02-16.

Conditions:
Polycystic kidney disease, adult type (PKD1). Also called: Polycystic Kidney Disease 1, Autosomal Dominant; Polycystic kidney disease 1; Polycystic kidney disease 1, severe; POLYCYSTIC KIDNEY DISEASE 1 WITH OR WITHOUT POLYCYSTIC LIVER DISEASE; Polycystic Kidney, Autosomal Dominant; POLYCYSTIC KIDNEY DISEASE, ADULT, TYPE I. Identifiers: MedGen C3149841, MONDO:0008263, OMIM 173900.

Submissions (4):

Laboratory of Genetics, Children's Clinical University Hospital Latvia
Classification: Pathogenic. Last evaluated: 2025-02-16. Review status: criteria provided, single submitter. Criteria: ACMG Guidelines, 2015. Collection method: clinical testing. Allele origin: germline. Affected: yes.

Dasa
Classification: Pathogenic for Polycystic kidney disease, adult type. Last evaluated: 2024-11-19. Review status: criteria provided, single submitter. Criteria: DASA Assertion Criteria. Collection method: clinical testing. Allele origin: germline.
Comment: NM_001009944.3(PKD1):c.3058C>T (p.Gln1020*) introduces a premature termination codon predicted to result in loss of normal protein function. Loss-of-function is an established mechanism of disease for this gene. This variant has been recurrently observed in individuals with Polycystic kidney disease, adult type (PMID: 872314; PMID: 22383692; PMID: 15772804; PMID: 22185115). The variant is present at low frequency in population datasets. Based on the available data, this variant is classified as pathogenic.

Fulgent Genetics
Classification: Pathogenic for Polycystic kidney disease, adult type. Last evaluated: 2021-12-20. Review status: criteria provided, single submitter. Criteria: ACMG Guidelines, 2015. Collection method: clinical testing. Allele origin: unknown.

CeGaT Center for Human Genetics Tuebingen
Classification: Pathogenic. Last evaluated: 2019-04-01. Review status: criteria provided, single submitter. Criteria: CeGaT Center For Human Genetics Tuebingen Variant Classification Criteria Version 2. Collection method: clinical testing. Allele origin: germline. Affected: yes. Observed: 1 variant allele.

Literature cited by the submitters: PubMed 872314 (cited by Dasa); PubMed 22383692 (cited by Dasa); PubMed 15772804 (cited by Dasa); PubMed 22185115 (cited by Dasa).